The following is an entry in ClinVar:

NM_000540.3(RYR1):c.9635A>G (p.Glu3212Gly)

Gene: RYR1 (ryanodine receptor 1; plus strand). Cytogenetic location: 19q13.2.
Variant type: single nucleotide variant.
Coding change: c.9635A>G on transcript NM_000540.3 (MANE Select); coding-DNA position 9635, A replaced by G.
Protein change: p.Glu3212Gly; replaces glutamic acid 3212 with glycine.
Molecular consequence: missense variant.
Genome position (GRCh38, 1-based): chr19:38,516,167, A>G. VCF-style: chr19-38516167-A-G. GRCh37 (hg19) VCF-style: chr19-39006807-A-G.
Other names: NM_000540.2(RYR1):c.9635A>G; p.Glu3212Gly; c.9635A>G, p.Glu3212Gly (NM_001042723.2); short protein forms E3212G.
Identifiers: ClinVar variation 329090 (VCV000329090.74), dbSNP rs199738299, ClinGen allele CA073912.

ClinVar aggregate classification (germline): Uncertain significance. Review status: reviewed by expert panel (3 of 4 stars). 16 submissions from 15 submitters: Uncertain significance (1). 15 of the submissions do not count toward it. Last evaluated 2025-08-01.

Conditions:
RYR1-related disorder. Also called: RYR1-related condition; RYR1-related disorders. Identifiers: MedGen CN239331.
Malignant hyperthermia, susceptibility to, 1 (MHS1). Also called: Malignant hyperthermia suceptibility 1; RYR1-Related Malignant Hyperthermia Susceptibility; Anesthesia related hyperthermia; Malignant hyperpyrexia; Fulminating hyperpyrexia; Pharmacogenic myopathy. Identifiers: Orphanet 423, MedGen C2930980, MONDO:0007783, OMIM 145600.
Central core myopathy (CMYO1A). Also called: CONGENITAL MYOPATHY 1A, AUTOSOMAL DOMINANT, WITH SUSCEPTIBILITY TO MALIGNANT HYPERTHERMIA; Central core disease; Myopathy, central fibrillar. Identifiers: Orphanet 597, MedGen C5830701, MONDO:0007294, OMIM 117000.
Congenital myopathy with fiber type disproportion. Also called: Congenital fiber-type disproportion myopathy; Congenital fiber-type disproportion. Identifiers: Orphanet 2020, MedGen C0546264, MONDO:0009711. Inheritance: all.
King Denborough syndrome (KDS). Identifiers: MedGen C1840365, MONDO:0020485, OMIM 619542.
Congenital multicore myopathy with external ophthalmoplegia (CMYO1B). Also called: Minicore myopathy with external ophthalmoplegia; MULTIMINICORE DISEASE WITH EXTERNAL OPHTHALMOPLEGIA; Congenital myopathy 1B, autosomal recessive; Minicore myopathy; MULTICORE MYOPATHY. Identifiers: Orphanet 598, Orphanet 98905, MedGen C1850674, MONDO:0009712, OMIM 255320, HP:0003789.
Malignant hyperthermia of anesthesia. Also called: Anesthesic-triggered malignant hyperthermia. Identifiers: Orphanet 423, MedGen C0024591, MONDO:0018493, HP:0034733.

Allele frequency attached by ClinVar (database versions not stated): gnomAD exomes 0.00026 and 0.00035; gnomAD 0.00036 and 0.00038; TOPMed 0.00036; ExAC 0.00041.
gnomAD v4.1: 542 of 1,563,140 alleles (0.035%); highest among the groups gnomAD compares: Non-Finnish European, 0.044%; 2 homozygotes.

Submissions (16):

ClinGen Malignant Hyperthermia Susceptibility Variant Curation Expert Panel, ClinGen
Classification: Uncertain significance for Malignant hyperthermia of anesthesia. Last evaluated: 2025-08-01. Review status: reviewed by expert panel. Criteria: ClinGen MHS ACMG Specifications V2. Collection method: curation. Allele origin: germline. Inheritance: Autosomal dominant inheritance.
Comment: This pathogenicity assessment is relevant only for malignant hyperthermia susceptibility (MHS) inherited in an autosomal dominant pattern. Variants in RYR1 can also cause other myopathies inherited in an autosomal dominant pattern or in an autosomal recessive pattern. Some of these disorders may predispose individuals to malignant hyperthermia. RYR1 variants may also contribute to a malignant hyperthermia reaction in combination with other genetic and non-genetic factors and the clinician needs to consider such factors in making management decisions. This sequence variant predicts a substitution of glutamic acid with glycine at codon 3212 of the RYR1 protein, p.(Glu3212Gly). The maximum allele frequency for this variant among the six major gnomAD populations is NFE: 0.0005609, a frequency consistent with pathogenicity for MHS. This variant has been reported in an individual with a personal or family history of an MH episode and a positive in vitro contracture test (IVCT) or caffeine halothane contracture test (CHCT) result (if the proband was unavailable for testing, a positive diagnostic test result in a mutation-positive relative was counted) (PMID:30236257). However, the high MAF in the NFE population in gnomAD precludes the use of PS4. No functional studies were identified for this variant. This variant does not reside in a hotspot for pathogenic variants that contribute to MHS. A REVEL score of 0.624 supports neither a pathogenic nor a benign status for this variant. This variant has been classified as a Variant of Unknown Significance. No criteria implemented.

Labcorp Genetics (formerly Invitae), Labcorp
Classification: Likely benign for RYR1-related disorder. Last evaluated: 2025-12-29. Review status: criteria provided, single submitter. Criteria: Invitae Variant Classification Sherloc (09022015). Collection method: clinical testing. Allele origin: germline. Not counted in ClinVar's aggregate classification.

Color Diagnostics, LLC DBA Color Health
Classification: Uncertain significance for Malignant hyperthermia, susceptibility to, 1. Last evaluated: 2025-11-20. Review status: criteria provided, single submitter. Criteria: ACMG Guidelines, 2015. Collection method: clinical testing. Allele origin: germline. Not counted in ClinVar's aggregate classification.
Comment: This missense variant replaces glutamic acid with glycine at codon 3212 of the RYR1 protein. Computational prediction is inconclusive regarding the impact of this variant on protein structure and function. To our knowledge, functional studies have not been reported for this variant. This variant has been reported in an individual affected with malignant hyperthermia susceptibility (PMID: 30236257). This variant has been identified in 542/1563140 chromosomes in the general population by the Genome Aggregation Database (gnomAD). The available evidence is insufficient to determine the role of this variant in disease conclusively. Therefore, this variant is classified as a Variant of Uncertain Significance.

GeneDx
Classification: Uncertain significance. Last evaluated: 2025-08-27. Review status: criteria provided, single submitter. Criteria: GeneDx Variant Classification Process June 2021. Collection method: clinical testing. Allele origin: germline. Affected: yes. Not counted in ClinVar's aggregate classification.
Comment: Reported with a second RYR1 variant, phase unknown, in a patient with proximal muscle weakness and muscle biopsy suggestive of central core disease (PMID: 36833224); In silico analysis supports that this missense variant has a deleterious effect on protein structure/function; In silico analysis suggests this variant may impact gene splicing. In the absence of RNA/functional studies, the actual effect of this sequence change is unknown.; This variant is associated with the following publications: (PMID: 30236257, 36833224, 12668474)

Mayo Clinic Laboratories, Mayo Clinic
Classification: Uncertain significance. Last evaluated: 2025-08-14. Review status: criteria provided, single submitter. Criteria: ACMG Guidelines, 2015. Collection method: clinical testing. Allele origin: germline. Observed: 1 variant allele. Not counted in ClinVar's aggregate classification.

Revvity Omics, Revvity
Classification: Uncertain significance. Last evaluated: 2024-12-29. Review status: criteria provided, single submitter. Criteria: ACMG Guidelines, 2015. Collection method: clinical testing. Allele origin: germline. Not counted in ClinVar's aggregate classification.

Blueprint Genetics
Classification: Uncertain significance. Last evaluated: 2024-10-18. Review status: criteria provided, single submitter. Criteria: ACMG Guidelines, 2015. Collection method: clinical testing. Allele origin: germline. Not counted in ClinVar's aggregate classification.

CeGaT Center for Human Genetics Tuebingen
Classification: Uncertain significance. Last evaluated: 2024-08-01. Review status: criteria provided, single submitter. Criteria: CeGaT Center For Human Genetics Tuebingen Variant Classification Criteria Version 2. Collection method: clinical testing. Allele origin: germline. Affected: yes. Observed: 7 variant alleles. Not counted in ClinVar's aggregate classification.
Comment: RYR1: PM2

3billion
Classification: Uncertain significance for Congenital multicore myopathy with external ophthalmoplegia. Last evaluated: 2023-02-23. Review status: criteria provided, single submitter. Criteria: ACMG Guidelines, 2015. Collection method: clinical testing. Allele origin: unknown. Affected: yes. Not counted in ClinVar's aggregate classification.
Comment: The variant is observed at an extremely low frequency in the gnomAD v2.1.1 dataset (total allele frequency: 0.028%). In silico tool predictions suggest damaging effect of the variant on gene or gene product (REVEL: 0.62). Therefore, this variant is classified as VUS according to the recommendation of ACMG/AMP guideline.

Baylor Genetics
Classification: Uncertain significance for Malignant hyperthermia, susceptibility to, 1. Last evaluated: 2023-01-04. Review status: criteria provided, single submitter. Criteria: ACMG Guidelines, 2015. Collection method: clinical testing. Allele origin: unknown. Not counted in ClinVar's aggregate classification.

Fulgent Genetics
Classification: Uncertain significance for Central core myopathy; Malignant hyperthermia, susceptibility to, 1; Congenital myopathy 4A, autosomal dominant; Congenital multicore myopathy with external ophthalmoplegia; King Denborough syndrome. Last evaluated: 2022-04-05. Review status: criteria provided, single submitter. Criteria: ACMG Guidelines, 2015. Collection method: clinical testing. Allele origin: unknown. Not counted in ClinVar's aggregate classification.

Centre for Mendelian Genomics, University Medical Centre Ljubljana
Classification: Uncertain significance for Congenital myopathy 4A, autosomal dominant. Last evaluated: 2019-03-12. Review status: criteria provided, single submitter. Criteria: ACMG Guidelines, 2015. Collection method: clinical testing. Allele origin: unknown. Affected: yes. Not counted in ClinVar's aggregate classification.
Comment: This variant was classified as: Uncertain significance. The available evidence on this variant's pathogenicity is insufficient or conflicting. The following ACMG criteria were applied in classifying this variant: PP2,PP3.

Institute of Human Genetics, University of Leipzig Medical Center
Classification: Uncertain significance for Malignant hyperthermia, susceptibility to, 1. Last evaluated: 2019-01-01. Review status: criteria provided, single submitter. Criteria: ACMG Guidelines, 2015. Collection method: clinical testing. Allele origin: unknown. Affected: yes. Not counted in ClinVar's aggregate classification.

Genetic Services Laboratory, University of Chicago
Classification: Uncertain significance. Last evaluated: 2018-05-21. Review status: criteria provided, single submitter. Criteria: ACMG Guidelines, 2015. Collection method: clinical testing. Allele origin: germline. Affected: no. Not counted in ClinVar's aggregate classification.

Illumina Laboratory Services, Illumina
Classification: Uncertain significance for Congenital multicore myopathy with external ophthalmoplegia. Last evaluated: 2018-01-12. Review status: criteria provided, single submitter. Criteria: ICSL Variant Classification Criteria 13 December 2019. Collection method: clinical testing. Allele origin: germline. Not counted in ClinVar's aggregate classification.

Illumina Laboratory Services, Illumina
Classification: Uncertain significance for Malignant hyperthermia, susceptibility to, 1. Last evaluated: 2018-01-12. Review status: criteria provided, single submitter. Criteria: ICSL Variant Classification Criteria 13 December 2019. Collection method: clinical testing. Allele origin: germline. Not counted in ClinVar's aggregate classification.

Literature cited by the submitters: PubMed 30236257 (cited by Color Diagnostics, LLC DBA Color Health and Mayo Clinic Laboratories, Mayo Clinic); PubMed 36833224 (cited by Mayo Clinic Laboratories, Mayo Clinic).